The following is an entry in ClinVar:

ClinVar aggregate classification (germline): Uncertain significance. Review status: criteria provided, multiple submitters, no conflicts (2 of 4 stars). 3 submissions from 3 submitters: Uncertain significance (3). Last evaluated 2025-02-04.

Conditions:
Juvenile polyposis syndrome (JPS). Identifiers: Orphanet 2929, MedGen C0345893, MONDO:0017380, OMIM 174900.
Hereditary cancer-predisposing syndrome. Also called: Hereditary neoplastic syndrome; Hereditary Cancer Syndrome; Neoplastic Syndromes, Hereditary; Tumor predisposition. Identifiers: Orphanet 140162, MedGen C0027672, MeSH D009386, MONDO:0015356.
Familial thoracic aortic aneurysm and aortic dissection (TAAD). Also called: Thoracic aortic aneurysms and dissections. Identifiers: Orphanet 91387, MedGen C4707243, MONDO:0019625.

Allele frequency attached by ClinVar (database versions not stated): gnomAD exomes below 0.00001.
gnomAD v4.1: 1 of 1,609,488 alleles (0.000062%); highest among the groups gnomAD compares: Non-Finnish European, 0.000085%; no homozygotes.

Submissions (3):

Ambry Genetics
Classification: Uncertain significance for Hereditary cancer-predisposing syndrome; Familial thoracic aortic aneurysm and aortic dissection. Last evaluated: 2025-02-04. Review status: criteria provided, single submitter. Criteria: Ambry Variant Classification Scheme 2023. Collection method: clinical testing. Allele origin: germline.
Comment: The p.R420H variant (also known as c.1259G>A), located in coding exon 9 of the SMAD4 gene, results from a G to A substitution at nucleotide position 1259. The arginine at codon 420 is replaced by histidine, an amino acid with highly similar properties. Functional studies of this variant have shown conflicting results; in one study, this variant was shown to severely impair PAI-1 transactivation, while being capable of homo-oligomerization but not heter-oligomerization with wild-type Smad (Yanagisawa K et al. Oncogene. 2000 May;19:2305-11). However, another study, did not show that this variant had an effect on heterocomplex formation (Wu JW et al. J. Biol. Chem. 2001 Jun;276:20688-94). This amino acid position is highly conserved in available vertebrate species. In addition, this alteration is predicted to be deleterious by in silico analysis. Since supporting evidence is conflicting at this time, the clinical significance of this alteration remains unclear.

Labcorp Genetics (formerly Invitae), Labcorp
Classification: Uncertain significance for Juvenile polyposis syndrome. Last evaluated: 2023-05-04. Review status: criteria provided, single submitter. Criteria: Invitae Variant Classification Sherloc (09022015). Collection method: clinical testing. Allele origin: germline.
Comment: In summary, the available evidence is currently insufficient to determine the role of this variant in disease. Therefore, it has been classified as a Variant of Uncertain Significance. Experimental studies have shown that this missense change does not substantially affect SMAD4 function (PMID: 15014009). Advanced modeling of protein sequence and biophysical properties (such as structural, functional, and spatial information, amino acid conservation, physicochemical variation, residue mobility, and thermodynamic stability) has been performed at Invitae for this missense variant, however the output from this modeling did not meet the statistical confidence thresholds required to predict the impact of this variant on SMAD4 protein function. ClinVar contains an entry for this variant (Variation ID: 419212). This variant has not been reported in the literature in individuals affected with SMAD4-related conditions. This variant is not present in population databases (gnomAD no frequency). This sequence change replaces arginine, which is basic and polar, with histidine, which is basic and polar, at codon 420 of the SMAD4 protein (p.Arg420His).

GeneDx
Classification: Uncertain significance. Last evaluated: 2015-06-10. Review status: criteria provided, single submitter. Criteria: GeneDx Variant Classification (06012015). Collection method: clinical testing. Allele origin: germline. Affected: yes.
Comment: This variant is denoted SMAD4 c.1259G>A at the cDNA level, p.Arg420His (R420H) at the protein level, and results in the change of an Arginine to a Histidine (CGT>CAT). Although this variant has not, to our knowledge, been published in the literature as either a germline pathogenic variant or a benign polymorphism, it has been observed as a confirmed somatic mutation in lung cancer (COSMIC, Yanagisawa 2000, Wu 2001). Functional assays of somatic SMAD4 Arg420His have indicated that this variant may impair transactivation and result in an inability to form appropriate hetero-oligomer complexes but results have been inconsistent (Yanagisawa 2000, Wu 2001). SMAD4 Arg420His was not observed in approximately 6,500 individuals of European and African American ancestry in the NHLBI Exome Sequencing Project, indicating it is not a common benign variant in these populations. Since Arginine and Histidine share similar properties, this is considered a conservative amino acid substitution. SMAD4 Arg420His occurs at a position that is conserved and is located within the MH2 domain (UniProt). In silico analyses are inconsistent regarding the effect this variant may have on protein structure and function. Based on currently available information, it is unclear whether SMAD4 Arg420His is pathogenic or benign. We consider it to be a variant of uncertain significance.

Literature cited by the submitters: PubMed 10822381 (cited by Ambry Genetics); PubMed 11274206 (cited by Ambry Genetics); PubMed 8665501 (cited by Ambry Genetics); PubMed 15014009 (cited by Labcorp Genetics (formerly Invitae), Labcorp).

NM_005359.6(SMAD4):c.1259G>A (p.Arg420His)

Gene: SMAD4 (SMAD family member 4; plus strand). Cytogenetic location: 18q21.2.
Variant type: single nucleotide variant.
Coding change: c.1259G>A on transcript NM_005359.6 (MANE Select); coding-DNA position 1259, G replaced by A.
Protein change: p.Arg420His; replaces arginine 420 with histidine.
Molecular consequence: missense variant.
Genome position (GRCh38, 1-based): chr18:51,067,138, G>A. VCF-style: chr18-51067138-G-A. GRCh37 (hg19) VCF-style: chr18-48593508-G-A.
Other names: short protein forms R420H.
Identifiers: ClinVar variation 419212 (VCV000419212.16), dbSNP rs1064793725, ClinGen allele CA16620710.